The following is an entry in ClinVar:

ClinVar aggregate classification (germline): Likely benign. Review status: criteria provided, single submitter (1 of 4 stars). 2 submissions from 2 submitters: Likely benign (1). 1 of the submissions does not count toward it. Last evaluated 2025-04-28.

Conditions:
C9-related disorder. Also called: C9-related condition.

Allele frequency attached by ClinVar (database versions not stated): gnomAD exomes 0.00001; ExAC 0.00002; TOPMed 0.00004.
gnomAD v4.1: 17 of 1,609,994 alleles (0.0011%); highest among the groups gnomAD compares: Admixed American, 0.027%; 1 homozygote.

Submissions (2):

Labcorp Genetics (formerly Invitae), Labcorp
Classification: Likely benign. Last evaluated: 2025-04-28. Review status: criteria provided, single submitter. Criteria: Invitae Variant Classification Sherloc (09022015). Collection method: clinical testing. Allele origin: germline.

PreventionGenetics, part of Exact Sciences
Classification: Likely benign for C9-related condition. Last evaluated: 2021-04-13. Review status: no assertion criteria provided. Collection method: clinical testing. Allele origin: germline. Not counted in ClinVar's aggregate classification.
Comment: This variant is classified as likely benign based on ACMG/AMP sequence variant interpretation guidelines (Richards et al. 2015 PMID: 25741868, with internal and published modifications).

NM_001737.5(C9):c.123A>C (p.Ile41=)

Gene: C9 (complement C9; minus strand). Cytogenetic location: 5p13.1.
Variant type: single nucleotide variant.
Coding change: c.123A>C on transcript NM_001737.5 (MANE Select); coding-DNA position 123, A replaced by C.
Protein change: p.Ile41=; no amino-acid change (isoleucine 41 retained).
Molecular consequence: synonymous variant.
Genome position (GRCh38, 1-based): chr5:39,342,151, T>G on the plus strand (A>C on the coding strand, the complement: C9 is on the minus strand). VCF-style: chr5-39342151-T-G. GRCh37 (hg19) VCF-style: chr5-39342253-T-G.
Other names: c.123A>C (NM_001737.4).
Identifiers: ClinVar variation 2428430 (VCV002428430.9), dbSNP rs779906370, ClinGen allele CA3247131.